The following is an entry in ClinVar:

NM_013339.4(ALG6):c.684del (p.Phe228fs)

Gene: ALG6 (ALG6 alpha-1,3-glucosyltransferase; plus strand). Cytogenetic location: 1p31.3.
Variant type: Deletion.
Coding change: c.684del on transcript NM_013339.4 (MANE Select); coding-DNA position 684, one base deleted (T; older notation c.684delT).
Protein change: p.Phe228fs; shifts the reading frame from phenylalanine 228.
Molecular consequence: frameshift variant.
Genome position (GRCh38, 1-based): chr1:63,411,929, T deleted; the last of 3 consecutive T bases (chr1:63,411,927-63,411,929); deleting any one gives the same sequence. VCF-style (leftmost placement, unchanged base first): chr1-63411926-GT-G. GRCh37 (hg19) VCF-style: chr1-63877597-GT-G.
Other names: short protein forms F228fs.
Identifiers: ClinVar variation 1454278 (VCV001454278.7), dbSNP rs2100421533, ClinGen allele CA2573132537.

ClinVar aggregate classification (germline): Pathogenic/Likely pathogenic. Review status: criteria provided, multiple submitters, no conflicts (2 of 4 stars). 2 submissions from 2 submitters: Pathogenic (1); Likely pathogenic (1). Last evaluated 2024-05-06.

Conditions:
ALG6-congenital disorder of glycosylation 1C (CDG1C). Also called: CARBOHYDRATE-DEFICIENT GLYCOPROTEIN SYNDROME, TYPE I, WITH DEFICIENT GLYCOSYLATION OF DOLICHOL-LINKED OLIGOSACCHARIDE; CARBOHYDRATE-DEFICIENT GLYCOPROTEIN SYNDROME, TYPE V; CDG Ic; Congenital disorder of glycosylation type 1C; Congenital disorder of glycosylation, type Ic. Identifiers: Orphanet 79320, MedGen C2930997, MONDO:0011291, OMIM 603147.

Submissions (2):

Labcorp Genetics (formerly Invitae), Labcorp
Classification: Pathogenic for ALG6-congenital disorder of glycosylation 1C. Last evaluated: 2024-05-06. Review status: criteria provided, single submitter. Criteria: Invitae Variant Classification Sherloc (09022015). Collection method: clinical testing. Allele origin: germline.
Comment: This sequence change creates a premature translational stop signal (p.Phe228Leufs*4) in the ALG6 gene. It is expected to result in an absent or disrupted protein product. Loss-of-function variants in ALG6 are known to be pathogenic (PMID: 19862844). This variant is not present in population databases (gnomAD no frequency). This variant has not been reported in the literature in individuals affected with ALG6-related conditions. ClinVar contains an entry for this variant (Variation ID: 1454278). For these reasons, this variant has been classified as Pathogenic.

Baylor Genetics
Classification: Likely pathogenic for ALG6-congenital disorder of glycosylation 1C. Last evaluated: 2023-10-03. Review status: criteria provided, single submitter. Criteria: ACMG Guidelines, 2015. Collection method: clinical testing. Allele origin: unknown.

Literature cited by the submitters: PubMed 19862844 (cited by Labcorp Genetics (formerly Invitae), Labcorp).